The following is an entry in ClinVar:

ClinVar aggregate classification (germline): Conflicting classifications of pathogenicity. Review status: criteria provided, conflicting classifications (1 of 4 stars). 2 submissions from 2 submitters: Likely pathogenic (1); Uncertain significance (1). Last evaluated 2022-11-08.

Conditions:
Cornelia de Lange syndrome 3 (CDLS3). Also called: SMC3-Related Cornelia de Lange Syndrome; CORNELIA DE LANGE SYNDROME 3 WITH OR WITHOUT MIDLINE BRAIN DEFECTS. Identifiers: Orphanet 199, MedGen C1853099, MONDO:0012555, OMIM 610759.

Submissions (2):

GeneDx
Classification: Uncertain significance. Last evaluated: 2022-11-08. Review status: criteria provided, single submitter. Criteria: GeneDx Variant Classification Process June 2021. Collection method: clinical testing. Allele origin: germline. Affected: yes.
Comment: Not observed at significant frequency in large population cohorts (gnomAD); In silico analysis supports that this missense variant has a deleterious effect on protein structure/function; This variant is associated with the following publications: (PMID: 30158690)

Baylor Genetics
Classification: Likely pathogenic for Cornelia de Lange syndrome 3. Last evaluated: 2018-03-08. Review status: criteria provided, single submitter. Criteria: ACMG Guidelines, 2015. Collection method: clinical testing. Allele origin: de novo. Affected: yes. Observed: 1 variant allele.

Literature cited by the submitters: PubMed 30158690 (cited by Baylor Genetics).

NM_005445.4(SMC3):c.3362C>T (p.Ser1121Phe)

Gene: SMC3 (structural maintenance of chromosomes 3; plus strand). Cytogenetic location: 10q25.2.
Variant type: single nucleotide variant.
Coding change: c.3362C>T on transcript NM_005445.4 (MANE Select); coding-DNA position 3362, C replaced by T.
Protein change: p.Ser1121Phe; replaces serine 1121 with phenylalanine.
Molecular consequence: missense variant.
Genome position (GRCh38, 1-based): chr10:110,602,889, C>T. VCF-style: chr10-110602889-C-T. GRCh37 (hg19) VCF-style: chr10-112362647-C-T.
Other names: short protein forms S1121F.
Identifiers: ClinVar variation 523216 (VCV000523216.2), dbSNP rs1564796294, ClinGen allele CA378395088.